The following is an entry in ClinVar:

NM_000245.4(MET):c.890A>G (p.Glu297Gly)

Gene: MET (MET proto-oncogene, receptor tyrosine kinase; plus strand). Cytogenetic location: 7q31.2.
Variant type: single nucleotide variant.
Coding change: c.890A>G on transcript NM_000245.4 (MANE Select); coding-DNA position 890, A replaced by G.
Protein change: p.Glu297Gly; replaces glutamic acid 297 with glycine.
Molecular consequence: missense variant. On other transcripts: intron variant (1).
Genome position (GRCh38, 1-based): chr7:116,699,974, A>G. VCF-style: chr7-116699974-A-G. GRCh37 (hg19) VCF-style: chr7-116340028-A-G.
Other names: c.890A>G, p.Glu297Gly (NM_001127500.3, NM_001324401.3); c.-91+27397A>G (NM_001324402.2); short protein forms E297G.
Identifiers: ClinVar variation 3395091 (VCV003395091.2).

ClinVar aggregate classification (germline): Uncertain significance. Review status: criteria provided, multiple submitters, no conflicts (2 of 4 stars). 2 submissions from 2 submitters: Uncertain significance (2). Last evaluated 2025-03-09.

Conditions:
Renal cell carcinoma. Identifiers: Orphanet 217071, MedGen C0007134, MeSH D002292, MONDO:0005086, HP:0005584.
Hereditary cancer-predisposing syndrome. Also called: Hereditary Cancer Syndrome; Tumor predisposition; Hereditary neoplastic syndrome; Neoplastic Syndromes, Hereditary. Identifiers: Orphanet 140162, MedGen C0027672, MeSH D009386, MONDO:0015356.

gnomAD v4.1: 3 of 1,614,046 alleles (0.00019%); highest among the groups gnomAD compares: Non-Finnish European, 0.00017%; no homozygotes.

Submissions (2):

Labcorp Genetics (formerly Invitae), Labcorp
Classification: Uncertain significance for Renal cell carcinoma. Last evaluated: 2025-03-09. Review status: criteria provided, single submitter. Criteria: Invitae Variant Classification Sherloc (09022015). Collection method: clinical testing. Allele origin: germline.
Comment: This sequence change replaces glutamic acid, which is acidic and polar, with glycine, which is neutral and non-polar, at codon 297 of the MET protein (p.Glu297Gly). This variant is not present in population databases (gnomAD no frequency). This variant has not been reported in the literature in individuals affected with MET-related conditions. ClinVar contains an entry for this variant (Variation ID: 3395091). Invitae Evidence Modeling of protein sequence and biophysical properties (such as structural, functional, and spatial information, amino acid conservation, physicochemical variation, residue mobility, and thermodynamic stability) indicates that this missense variant is expected to disrupt MET protein function with a positive predictive value of 80%. In summary, the available evidence is currently insufficient to determine the role of this variant in disease. Therefore, it has been classified as a Variant of Uncertain Significance.

Ambry Genetics
Classification: Uncertain significance for Hereditary cancer-predisposing syndrome. Last evaluated: 2024-11-17. Review status: criteria provided, single submitter. Criteria: Ambry Variant Classification Scheme 2023. Collection method: clinical testing. Allele origin: germline.
Comment: The p.E297G variant (also known as c.890A>G), located in coding exon 1 of the MET gene, results from an A to G substitution at nucleotide position 890. The glutamic acid at codon 297 is replaced by glycine, an amino acid with similar properties. This amino acid position is conserved. In addition, the in silico prediction for this alteration is inconclusive. Based on the available evidence, the clinical significance of this variant remains unclear.